The following is an entry in ClinVar:

NM_003482.4(KMT2D):c.15608C>G (p.Thr5203Ser)

Gene: KMT2D (lysine methyltransferase 2D; minus strand). Cytogenetic location: 12q13.12.
Variant type: single nucleotide variant.
Coding change: c.15608C>G on transcript NM_003482.4 (MANE Select); coding-DNA position 15608, C replaced by G.
Protein change: p.Thr5203Ser; replaces threonine 5203 with serine.
Molecular consequence: missense variant.
Genome position (GRCh38, 1-based): chr12:49,026,358, G>C on the plus strand (C>G on the coding strand, the complement: KMT2D is on the minus strand). VCF-style: chr12-49026358-G-C. GRCh37 (hg19) VCF-style: chr12-49420141-G-C.
Other names: short protein forms T5203S.
Identifiers: ClinVar variation 1314806 (VCV001314806.3), dbSNP rs1942588815, ClinGen allele CA384686387.
Genomic context (GRCh38, chr12:49,026,358, plus strand): 5'-TTGTTGGTGCGGAGGCTCCAATAGATGCGCGTGGCCTCGTAGCCCACGGGATAGAGGGCA[G>C]TGGCACTATGAAAGTCAGCCATCTGGTGAGGCAGCAGCTGTCCGATGGCGTGGAACACAA-3'
Protein context (NP_003473.3, residues 5193-5213): PHQMADFHSA[Thr5203Ser]ALYPVGYEAT

ClinVar aggregate classification (germline): Uncertain significance. Review status: criteria provided, multiple submitters, no conflicts (2 of 4 stars). 2 submissions from 2 submitters: Uncertain significance (2). Last evaluated 2026-07-19.

Conditions:
Inborn genetic diseases. Identifiers: MedGen C0950123, MeSH D030342.

Submissions (2):

Ambry Genetics
Classification: Uncertain significance for Inborn genetic diseases. Last evaluated: 2026-07-19. Review status: criteria provided, single submitter. Criteria: Ambry Variant Classification Scheme 2023. Collection method: clinical testing. Allele origin: germline.

GeneDx
Classification: Uncertain significance. Last evaluated: 2021-04-20. Review status: criteria provided, single submitter. Criteria: GeneDx Variant Classification Process June 2021. Collection method: clinical testing. Allele origin: germline. Affected: yes.
Comment: Not observed in large population cohorts (Lek et al., 2016); In silico analysis supports that this missense variant does not alter protein structure/function; Has not been previously published as pathogenic or benign to our knowledge